The following is an entry in ClinVar:

ClinVar aggregate classification (germline): Uncertain significance (1 of 4 stars; one submission).

Conditions:
Congenital disorder of deglycosylation (CDDG). Identifiers: MedGen C3808991, MONDO:0031376.

Allele frequency attached by ClinVar (database versions not stated): gnomAD exomes below 0.00001; TOPMed below 0.00001; gnomAD 0.00001.

Submission:

Labcorp Genetics (formerly Invitae), Labcorp
Classification: Uncertain significance for Congenital disorder of deglycosylation. Last evaluated: 2022-08-15. Review status: criteria provided, single submitter. Criteria: Invitae Variant Classification Sherloc (09022015). Collection method: clinical testing. Allele origin: germline.
Comment: This sequence change replaces lysine, which is basic and polar, with glutamic acid, which is acidic and polar, at codon 276 of the NGLY1 protein (p.Lys276Glu). This variant is not present in population databases (gnomAD no frequency). This variant has not been reported in the literature in individuals affected with NGLY1-related conditions. ClinVar contains an entry for this variant (Variation ID: 1364471). Algorithms developed to predict the effect of missense changes on protein structure and function (SIFT, PolyPhen-2, Align-GVGD) all suggest that this variant is likely to be tolerated. In summary, the available evidence is currently insufficient to determine the role of this variant in disease. Therefore, it has been classified as a Variant of Uncertain Significance.

NM_018297.4(NGLY1):c.826A>G (p.Lys276Glu)

Gene: NGLY1 (N-glycanase 1; minus strand). Cytogenetic location: 3p24.2.
Variant type: single nucleotide variant.
Coding change: c.826A>G on transcript NM_018297.4 (MANE Select); coding-DNA position 826, A replaced by G.
Protein change: p.Lys276Glu; replaces lysine 276 with glutamic acid.
Molecular consequence: missense variant.
Genome position (GRCh38, 1-based): chr3:25,739,632, T>C on the plus strand (A>G on the coding strand, the complement: NGLY1 is on the minus strand). VCF-style: chr3-25739632-T-C. GRCh37 (hg19) VCF-style: chr3-25781123-T-C.
Other names: c.826A>G, p.Lys276Glu (NM_001145293.2, NM_001145295.2); c.700A>G, p.Lys234Glu (NM_001145294.2); short protein forms K234E, K276E.
Identifiers: ClinVar variation 1364471 (VCV001364471.7), dbSNP rs1300275073, ClinGen allele CA351902632.